The following is an entry in ClinVar:

ClinVar aggregate classification (germline): Uncertain significance. Review status: criteria provided, multiple submitters, no conflicts (2 of 4 stars). 2 submissions from 2 submitters: Uncertain significance (2). Last evaluated 2025-08-13.

Conditions:
Fanconi anemia (FA). Also called: Fanconi's anemia. Identifiers: Orphanet 84, MedGen C0015625, MeSH D005199, MONDO:0019391.

Allele frequency attached by ClinVar (database versions not stated): gnomAD exomes below 0.00001.
gnomAD v4.1: 6 of 1,613,928 alleles (0.00037%); highest among the groups gnomAD compares: Non-Finnish European, 0.00042%; no homozygotes.

Submissions (2):

GeneDx
Classification: Uncertain significance. Last evaluated: 2025-08-13. Review status: criteria provided, single submitter. Criteria: GeneDx Variant Classification Process June 2021. Collection method: clinical testing. Allele origin: germline. Affected: yes.
Comment: Not observed at significant frequency in large population cohorts (gnomAD); In silico analysis supports that this missense variant has a deleterious effect on protein structure/function; Has not been previously published as pathogenic or benign to our knowledge

Labcorp Genetics (formerly Invitae), Labcorp
Classification: Uncertain significance for Fanconi anemia. Last evaluated: 2022-08-27. Review status: criteria provided, single submitter. Criteria: Invitae Variant Classification Sherloc (09022015). Collection method: clinical testing. Allele origin: germline.
Comment: In summary, the available evidence is currently insufficient to determine the role of this variant in disease. Therefore, it has been classified as a Variant of Uncertain Significance. Algorithms developed to predict the effect of missense changes on protein structure and function output the following: SIFT: "Tolerated"; PolyPhen-2: "Benign"; Align-GVGD: "Class C0". The arginine amino acid residue is found in multiple mammalian species, which suggests that this missense change does not adversely affect protein function. This variant has not been reported in the literature in individuals affected with FANCM-related conditions. This variant is not present in population databases (gnomAD no frequency). This sequence change replaces histidine, which is basic and polar, with arginine, which is basic and polar, at codon 1960 of the FANCM protein (p.His1960Arg).

NM_020937.4(FANCM):c.5879A>G (p.His1960Arg)

Gene: FANCM (FA complementation group M; plus strand). Cytogenetic location: 14q21.2.
Variant type: single nucleotide variant.
Coding change: c.5879A>G on transcript NM_020937.4 (MANE Select); coding-DNA position 5879, A replaced by G.
Protein change: p.His1960Arg; replaces histidine 1960 with arginine.
Molecular consequence: missense variant.
Genome position (GRCh38, 1-based): chr14:45,198,806, A>G. VCF-style: chr14-45198806-A-G. GRCh37 (hg19) VCF-style: chr14-45668009-A-G.
Other names: c.5801A>G, p.His1934Arg (NM_001308133.2); short protein forms H1934R, H1960R.
Identifiers: ClinVar variation 2413683 (VCV002413683.7), dbSNP rs2503280616, ClinGen allele CA389587185.